The following is an entry in ClinVar:

ClinVar aggregate classification (germline): Uncertain significance. Review status: criteria provided, multiple submitters, no conflicts (2 of 4 stars). 2 submissions from 2 submitters: Uncertain significance (2). Last evaluated 2024-05-30.

Allele frequency attached by ClinVar (database versions not stated): gnomAD 0.00001; gnomAD exomes 0.00002; TOPMed 0.00002; ExAC 0.00003.
gnomAD v4.1: 28 of 1,611,016 alleles (0.0017%); highest among the groups gnomAD compares: Non-Finnish European, 0.0018%; no homozygotes.

Submissions (2):

Ambry Genetics
Classification: Uncertain significance. Last evaluated: 2024-05-30. Review status: criteria provided, single submitter. Criteria: Ambry Variant Classification Scheme 2023. Collection method: clinical testing. Allele origin: germline.

Labcorp Genetics (formerly Invitae), Labcorp
Classification: Uncertain significance. Last evaluated: 2022-01-21. Review status: criteria provided, single submitter. Criteria: Invitae Variant Classification Sherloc (09022015). Collection method: clinical testing. Allele origin: germline.
Comment: In summary, the available evidence is currently insufficient to determine the role of this variant in disease. Therefore, it has been classified as a Variant of Uncertain Significance. Algorithms developed to predict the effect of missense changes on protein structure and function are either unavailable or do not agree on the potential impact of this missense change (SIFT: "Tolerated"; PolyPhen-2: "Probably Damaging"; Align-GVGD: "Class C0"). This variant has not been reported in the literature in individuals affected with TNS2-related conditions. This variant is present in population databases (rs767343879, gnomAD 0.01%). This sequence change replaces glutamic acid, which is acidic and polar, with lysine, which is basic and polar, at codon 776 of the TNS2 protein (p.Glu776Lys).

NM_170754.4(TNS2):c.2296G>A (p.Glu766Lys)

Gene: TNS2 (tensin 2; plus strand). Cytogenetic location: 12q13.13.
Variant type: single nucleotide variant.
Coding change: c.2296G>A on transcript NM_170754.4 (MANE Select); coding-DNA position 2296, G replaced by A.
Protein change: p.Glu766Lys; replaces glutamic acid 766 with lysine.
Molecular consequence: missense variant.
Genome position (GRCh38, 1-based): chr12:53,059,937, G>A. VCF-style: chr12-53059937-G-A. GRCh37 (hg19) VCF-style: chr12-53453721-G-A.
Other names: c.2296G>A, p.Glu766Lys (NM_001416202.1); c.2254G>A, p.Glu752Lys (NM_001416203.1); c.2323G>A, p.Glu775Lys (NM_001416204.1); c.2227G>A, p.Glu743Lys (NM_015319.3); c.1924G>A, p.Glu642Lys (NM_198316.2); short protein forms E766K, E776K, E642K, E743K, E752K, E775K.
Identifiers: ClinVar variation 1971735 (VCV001971735.6), dbSNP rs767343879, ClinGen allele CA6592568.